The following is an entry in ClinVar:

NM_000260.4(MYO7A):c.4194A>G (p.Val1398=)

Gene: MYO7A (myosin VIIA; plus strand). Cytogenetic location: 11q13.5.
Variant type: single nucleotide variant.
Coding change: c.4194A>G on transcript NM_000260.4 (MANE Select); coding-DNA position 4194, A replaced by G.
Protein change: p.Val1398=; no amino-acid change (valine 1398 retained).
Molecular consequence: synonymous variant.
Genome position (GRCh38, 1-based): chr11:77,194,395, A>G. VCF-style: chr11-77194395-A-G. GRCh37 (hg19) VCF-style: chr11-76905440-A-G.
Other names: c.4194A>G, p.Val1398= (NM_001127180.2); c.4161A>G, p.Val1387= (NM_001369365.1).
Identifiers: ClinVar variation 681553 (VCV000681553.11), dbSNP rs1591438864, ClinGen allele CA475796200.

ClinVar aggregate classification (germline): Likely benign. Review status: criteria provided, multiple submitters, no conflicts (2 of 4 stars). 3 submissions from 3 submitters: Likely benign (2). 1 of the submissions does not count toward it. Last evaluated 2021-04-10.

Conditions:
Usher syndrome type 1B (USH1B). Also called: Usher syndrome type IB. Identifiers: MedGen C1848638, MONDO:0700087.

Allele frequency attached by ClinVar (database versions not stated): gnomAD exomes below 0.00001.
gnomAD v4.1: 1 of 1,612,932 alleles (0.000062%); highest among the groups gnomAD compares: Non-Finnish European, 0.000085%; no homozygotes.

Submissions (3):

Labcorp Genetics (formerly Invitae), Labcorp
Classification: Likely benign. Last evaluated: 2021-04-10. Review status: criteria provided, single submitter. Criteria: Invitae Variant Classification Sherloc (09022015). Collection method: clinical testing. Allele origin: germline.

GeneDx
Classification: Likely benign. Last evaluated: 2018-04-17. Review status: criteria provided, single submitter. Criteria: GeneDx Variant Classification (06012015). Collection method: clinical testing. Allele origin: germline. Affected: yes.
Comment: This variant is considered likely benign or benign based on one or more of the following criteria: it is a conservative change, it occurs at a poorly conserved position in the protein, it is predicted to be benign by multiple in silico algorithms, and/or has population frequency not consistent with disease.

Natera, Inc.
Classification: Uncertain significance for Usher syndrome type 1B. Last evaluated: 2020-03-17. Review status: no assertion criteria provided. Collection method: clinical testing. Allele origin: germline. Not counted in ClinVar's aggregate classification.